The following is an entry in ClinVar:

NM_144775.3(SMCR8):c.2404C>T (p.Arg802Cys)

Gene: SMCR8 (SMCR8-C9orf72 complex subunit; plus strand). Cytogenetic location: 17p11.2.
Variant type: single nucleotide variant.
Coding change: c.2404C>T on transcript NM_144775.3 (MANE Select); coding-DNA position 2404, C replaced by T.
Protein change: p.Arg802Cys; replaces arginine 802 with cysteine.
Molecular consequence: missense variant.
Genome position (GRCh38, 1-based): chr17:18,322,660, C>T. VCF-style: chr17-18322660-C-T. GRCh37 (hg19) VCF-style: chr17-18225974-C-T.
Other names: short protein forms R802C.
Identifiers: ClinVar variation 982661 (VCV000982661.1), dbSNP rs368462355, ClinGen allele CA8430931.

ClinVar aggregate classification (germline): Uncertain significance (1 of 4 stars; one submission).

Conditions:
Neurodevelopmental disorder. Identifiers: MedGen C1535926, MeSH D065886, MONDO:0700092.

Allele frequency attached by ClinVar (database versions not stated): ExAC 0.00001; gnomAD exomes 0.00001 and 0.00002; TOPMed 0.00002; gnomAD 0.00003 and 0.00004; ESP Exome Variant Server 0.00008.

Submission:

Institute of Human Genetics, University of Leipzig Medical Center
Classification: Uncertain significance for Neurodevelopmental disorder. Last evaluated: 2019-01-01. Review status: criteria provided, single submitter. Criteria: ACMG Guidelines, 2015. Collection method: clinical testing. Allele origin: de novo. Affected: yes.
Comment: This variant was identified as de novo.